The following is an entry in ClinVar:

NM_000321.3(RB1):c.54_76dup (p.Pro26fs)

Gene: RB1 (RB transcriptional corepressor 1; plus strand). Cytogenetic location: 13q14.2.
Variant type: Duplication.
Coding change: c.54_76dup on transcript NM_000321.3 (MANE Select); coding-DNA positions 54 to 76, 23 bases duplicated (GGAACCCCCGGCACCGCCGCCGC).
Protein change: p.Pro26fs; shifts the reading frame from proline 26.
Molecular consequence: frameshift variant.
Genome position (GRCh38, 1-based): chr13:48,303,966-48,303,988, GGAACCCCCGGCACCGCCGCCGC duplicated; duplicating any 23 consecutive bases within chr13:48,303,958-48,303,988 gives the same sequence; the c. name uses the placement nearest the transcript's 3' end. VCF-style (leftmost placement, unchanged base first): chr13-48303957-T-TGCCGCCGCGGAACCCCCGGCACC. GRCh37 (hg19) VCF-style: chr13-48878093-T-TGCCGCCGCGGAACCCCCGGCACC.
Other names: short protein forms P26fs.
Identifiers: ClinVar variation 428668 (VCV000428668.11), dbSNP rs1555279210, ClinGen allele CA645369601.

ClinVar aggregate classification (germline): Pathogenic/Likely pathogenic. Review status: criteria provided, multiple submitters, no conflicts (2 of 4 stars). 4 submissions from 4 submitters: Pathogenic (3); Likely pathogenic (1). Last evaluated 2026-05-29.

Conditions:
Retinoblastoma (RB1). Also called: RETINOBLASTOMA, SOMATIC. Identifiers: Orphanet 790, MedGen C0035335, MeSH D012175, MONDO:0008380, OMIM 180200, HP:0009919. Disease mechanism: loss of function. Inheritance: Both sporadic and heritable forms are tested..
Hereditary cancer-predisposing syndrome. Also called: Hereditary neoplastic syndrome; Neoplastic Syndromes, Hereditary; Tumor predisposition; Hereditary Cancer Syndrome. Identifiers: Orphanet 140162, MedGen C0027672, MeSH D009386, MONDO:0015356.

Submissions (4):

Diller/Parad Lab, Dana-Farber/Harvard Cancer Center
Classification: Pathogenic for Retinoblastoma. Last evaluated: 2026-05-29. Review status: criteria provided, single submitter. Criteria: ACMG Guidelines, 2015. Collection method: research. Allele origin: germline. Affected: yes.
Comment: It has been classified as Pathogenic using Richards et al (PMID:25741868) based on the following evidence codes: PM2, PVS1, PP5.

Labcorp Genetics (formerly Invitae), Labcorp
Classification: Pathogenic for Retinoblastoma. Last evaluated: 2024-12-06. Review status: criteria provided, single submitter. Criteria: Invitae Variant Classification Sherloc (09022015). Collection method: clinical testing. Allele origin: germline.
Comment: This sequence change creates a premature translational stop signal (p.Pro26Argfs*47) in the RB1 gene. It is expected to result in an absent or disrupted protein product. Loss-of-function variants in RB1 are known to be pathogenic (PMID: 17096365). This variant is not present in population databases (gnomAD no frequency). This premature translational stop signal has been observed in individual(s) with RB1-related conditions (PMID: 21520333). ClinVar contains an entry for this variant (Variation ID: 428668). For these reasons, this variant has been classified as Pathogenic.

Baylor Genetics
Classification: Likely pathogenic for Retinoblastoma. Last evaluated: 2023-03-22. Review status: criteria provided, single submitter. Criteria: ACMG Guidelines, 2015. Collection method: clinical testing. Allele origin: unknown.

Ambry Genetics
Classification: Pathogenic for Hereditary cancer-predisposing syndrome. Last evaluated: 2012-10-02. Review status: criteria provided, single submitter. Criteria: Ambry Autosomal Dominant and X-Linked criteria (10/2015). Collection method: clinical testing. Allele origin: germline. Observed: 1 variant allele.
Comment: This alteration is expected to result in loss of function by premature protein truncation or nonsense-mediatedâ€¯mRNAâ€¯decay.â€¯As such, this alteration is interpreted as a disease-causing mutation.

Literature cited by the submitters: PubMed 17096365 (cited by Labcorp Genetics (formerly Invitae), Labcorp); PubMed 21520333 (cited by Labcorp Genetics (formerly Invitae), Labcorp).